The following is an entry in ClinVar:

ClinVar aggregate classification (germline): Uncertain significance (1 of 4 stars; one submission).

Allele frequency attached by ClinVar (database versions not stated): ExAC 0.00001; gnomAD 0.00001; gnomAD exomes 0.00002.
gnomAD v4.1: 10 of 1,614,140 alleles (0.00062%); highest among the groups gnomAD compares: South Asian, 0.0099%; no homozygotes.

Submission:

Ambry Genetics
Classification: Uncertain significance. Last evaluated: 2024-09-02. Review status: criteria provided, single submitter. Criteria: Ambry Variant Classification Scheme 2023. Collection method: clinical testing. Allele origin: germline.
Comment: The p.S163P variant (also known as c.487T>C), located in coding exon 3 of the ALPK2 gene, results from a T to C substitution at nucleotide position 487. The serine at codon 163 is replaced by proline, an amino acid with similar properties. This amino acid position is conserved. In addition, this alteration is predicted to be tolerated by in silico analysis. Since supporting evidence is limited at this time, the clinical significance of this alteration remains unclear.

NM_052947.4(ALPK2):c.487T>C (p.Ser163Pro)

Gene: ALPK2 (alpha kinase 2; minus strand). Cytogenetic location: 18q21.31.
Variant type: single nucleotide variant.
Coding change: c.487T>C on transcript NM_052947.4 (MANE Select); coding-DNA position 487, T replaced by C.
Protein change: p.Ser163Pro; replaces serine 163 with proline.
Molecular consequence: missense variant.
Genome position (GRCh38, 1-based): chr18:58,580,289, A>G on the plus strand (T>C on the coding strand, the complement: ALPK2 is on the minus strand). VCF-style: chr18-58580289-A-G. GRCh37 (hg19) VCF-style: chr18-56247521-A-G.
Other names: short protein forms S163P.
Identifiers: ClinVar variation 1743784 (VCV001743784.3), dbSNP rs775846665, ClinGen allele CA8977437.